The following is an entry in ClinVar:

ClinVar aggregate classification (germline): Likely pathogenic (1 of 4 stars; one submission).

Conditions:
Deficiency of UDPglucose-hexose-1-phosphate uridylyltransferase. Also called: GALACTOSEMIA I; GALACTOSE-1-PHOSPHATE URIDYLYLTRANSFERASE DEFICIENCY; GALT deficiency; Galactosemia, classic; Transferase Deficiency Galactosemia. Identifiers: Orphanet 352, Orphanet 79239, MedGen C0268151, MONDO:0009258, OMIM 230400.

Submission:

Myriad Genetics, Inc.
Classification: Likely pathogenic for Deficiency of UDPglucose-hexose-1-phosphate uridylyltransferase. Last evaluated: 2019-06-24. Review status: criteria provided, single submitter. Criteria: Myriad Women's Health Autosomal Recessive and X-Linked Classification Criteria (2019). Collection method: clinical testing. Allele origin: unknown.
Comment: NM_000155.3(GALT):c.670C>T(Q224*) is expected to be pathogenic in the context of galactosemia. This variant is predicted to lead to an abnormal or absent protein product due to the creation of a premature termination codon in GALT, a gene where loss-of-function variants are known to be pathogenic. Please note: this variant was assessed in the context of healthy population screening.

NM_000155.4(GALT):c.670C>T (p.Gln224Ter)

Gene: GALT (galactose-1-phosphate uridylyltransferase; plus strand). Cytogenetic location: 9p13.3.
Variant type: single nucleotide variant.
Coding change: c.670C>T on transcript NM_000155.4 (MANE Select); coding-DNA position 670, C replaced by T.
Protein change: p.Gln224Ter; replaces glutamine 224 with a stop codon.
Molecular consequence: nonsense.
Genome position (GRCh38, 1-based): chr9:34,648,439, C>T. VCF-style: chr9-34648439-C-T. GRCh37 (hg19) VCF-style: chr9-34648436-C-T.
Other names: c.343C>T, p.Gln115Ter (NM_001258332.2); short protein forms Q115*, Q224*.
Identifiers: ClinVar variation 983984 (VCV000983984.3), dbSNP rs1821166869, ClinGen allele CA373282318.